The following is an entry in ClinVar:

NM_000350.3(ABCA4):c.6310dup (p.Gln2104fs)

Gene: ABCA4 (ATP binding cassette subfamily A member 4; minus strand). Cytogenetic location: 1p22.1.
Variant type: Duplication.
Coding change: c.6310dup on transcript NM_000350.3 (MANE Select); coding-DNA position 6310, one base duplicated (C; older notation c.6310dupC).
Protein change: p.Gln2104fs; shifts the reading frame from glutamine 2104.
Molecular consequence: frameshift variant.
Genome position (GRCh38, 1-based): chr1:94,001,078, G duplicated on the plus strand (C on the coding strand, the reverse complement: ABCA4 is on the minus strand); the first of 5 consecutive G bases (chr1:94,001,078-94,001,082); duplicating any one gives the same sequence. VCF-style (leftmost placement, unchanged base first): chr1-94001077-T-TG. GRCh37 (hg19) VCF-style: chr1-94466633-T-TG.
Other names: c.6084dup, p.Gln2030Profs (NM_001425324.1); short protein forms Q2104fs.
Identifiers: ClinVar variation 1452445 (VCV001452445.8), dbSNP rs2100994047, ClinGen allele CA2573132674.
Genomic context (GRCh38, chr1:94,001,077, plus strand): 5'-ACCACAGCCCTCCCTTCTCTGATGATGCTCACGATGACGTTCCACAGCATGCGGCGTGCC[T>TG]GGGGGTCCATCCCTGTGGTGGGCTCATCCTGGGGGGTGGAGAGAAGGTTGGGGGCACAGG-3'

ClinVar aggregate classification (germline): Pathogenic (1 of 4 stars; one submission).

Submission:

Labcorp Genetics (formerly Invitae), Labcorp
Classification: Pathogenic. Last evaluated: 2022-11-01. Review status: criteria provided, single submitter. Criteria: Invitae Variant Classification Sherloc (09022015). Collection method: clinical testing. Allele origin: germline.
Comment: This sequence change creates a premature translational stop signal (p.Gln2104Profs*31) in the ABCA4 gene. It is expected to result in an absent or disrupted protein product. Loss-of-function variants in ABCA4 are known to be pathogenic (PMID: 10958761, 24938718, 25312043, 26780318). This variant is not present in population databases (gnomAD no frequency). This premature translational stop signal has been observed in individual(s) with cone-rod dystrophy (PMID: 29555955). ClinVar contains an entry for this variant (Variation ID: 1452445). For these reasons, this variant has been classified as Pathogenic.

Literature cited by the submitters: PubMed 10958761; PubMed 24938718; PubMed 25312043; PubMed 26780318; PubMed 29555955.